The following is an entry in ClinVar:

ClinVar aggregate classification (germline): Uncertain significance (1 of 4 stars; one submission).

Submission:

Labcorp Genetics (formerly Invitae), Labcorp
Classification: Uncertain significance. Last evaluated: 2021-02-14. Review status: criteria provided, single submitter. Criteria: Invitae Variant Classification Sherloc (09022015). Collection method: clinical testing. Allele origin: germline.
Comment: This variant has not been reported in the literature in individuals with EYS-related conditions. Algorithms developed to predict the effect of missense changes on protein structure and function (SIFT, PolyPhen-2, Align-GVGD) all suggest that this variant is likely to be tolerated, but these predictions have not been confirmed by published functional studies and their clinical significance is uncertain. In summary, the available evidence is currently insufficient to determine the role of this variant in disease. Therefore, it has been classified as a Variant of Uncertain Significance. This sequence change replaces isoleucine with asparagine at codon 437 of the EYS protein (p.Ile437Asn). The isoleucine residue is weakly conserved and there is a large physicochemical difference between isoleucine and asparagine. This variant is not present in population databases (ExAC no frequency).

NM_001142800.2(EYS):c.1310T>A (p.Ile437Asn)

Gene: EYS (EGF-like photoreceptor maintenance factor; minus strand). Cytogenetic location: 6q12.
Variant type: single nucleotide variant.
Coding change: c.1310T>A on transcript NM_001142800.2 (MANE Select); coding-DNA position 1310, T replaced by A.
Protein change: p.Ile437Asn; replaces isoleucine 437 with asparagine.
Molecular consequence: missense variant.
Genome position (GRCh38, 1-based): chr6:65,353,607, A>T on the plus strand (T>A on the coding strand, the complement: EYS is on the minus strand). VCF-style: chr6-65353607-A-T. GRCh37 (hg19) VCF-style: chr6-66063500-A-T.
Other names: c.1310T>A, p.Ile437Asn (NM_001142801.2, NM_001292009.2, NM_198283.2); short protein forms I437N.
Identifiers: ClinVar variation 1466385 (VCV001466385.8), dbSNP rs912121912, ClinGen allele CA364661935.